The following is an entry in ClinVar:

NM_004525.3(LRP2):c.2193T>C (p.Asp731=)

Gene: LRP2 (LDL receptor related protein 2; minus strand). Cytogenetic location: 2q31.1.
Variant type: single nucleotide variant.
Coding change: c.2193T>C on transcript NM_004525.3 (MANE Select); coding-DNA position 2193, T replaced by C.
Protein change: p.Asp731=; no amino-acid change (aspartic acid 731 retained).
Molecular consequence: synonymous variant.
Genome position (GRCh38, 1-based): chr2:169,271,031, A>G on the plus strand (T>C on the coding strand, the complement: LRP2 is on the minus strand). VCF-style: chr2-169271031-A-G. GRCh37 (hg19) VCF-style: chr2-170127541-A-G.
Identifiers: ClinVar variation 893936 (VCV000893936.14), dbSNP rs539460153, ClinGen allele CA1955358.
Genomic context (GRCh38, chr2:169,271,031, plus strand): 5'-CTGGGCGTCAAAATCAATCCCGACAAAGAAAGAAGGATTCCCCGAAACTGGAACCATGAC[A>G]TCTTCCTGGGTAGACAAGGTGAACGGGATCCCACGAATAGCAACTTGGGATGAAAAAATG-3'
Protein context (NP_004516.2, residues 721-741): GIPFTLSTQE[Asp731=]VMVPVSGNPS

ClinVar aggregate classification (germline): Conflicting classifications of pathogenicity. Review status: criteria provided, conflicting classifications (1 of 4 stars). 4 submissions from 4 submitters: Uncertain significance (1); Likely benign (2). 1 of the submissions does not count toward it. Last evaluated 2025-11-17.

Conditions:
LRP2-related disorder. Also called: LRP2-related condition.
Donnai-Barrow syndrome. Also called: FACIOOCULOACOUSTICORENAL SYNDROME; DBS/FOAR SYNDROME. Identifiers: Orphanet 2143, MedGen C1857277, MONDO:0009104, OMIM 222448.

Allele frequency attached by ClinVar (database versions not stated): ExAC 0.00003; gnomAD exomes 0.00003; gnomAD 0.00013; TOPMed 0.00015.
gnomAD v4.1: 75 of 1,613,298 alleles (0.0046%); highest among the groups gnomAD compares: African/African-American, 0.049%; no homozygotes.

Submissions (4):

Labcorp Genetics (formerly Invitae), Labcorp
Classification: Likely benign. Last evaluated: 2025-11-17. Review status: criteria provided, single submitter. Criteria: Invitae Variant Classification Sherloc (09022015). Collection method: clinical testing. Allele origin: germline.

Blueprint Genetics
Classification: Likely benign. Last evaluated: 2024-09-14. Review status: criteria provided, single submitter. Criteria: ACMG Guidelines, 2015. Collection method: clinical testing. Allele origin: germline.

Illumina Laboratory Services, Illumina
Classification: Uncertain significance for Donnai-Barrow syndrome. Last evaluated: 2018-01-13. Review status: criteria provided, single submitter. Criteria: ICSL Variant Classification Criteria 13 December 2019. Collection method: clinical testing. Allele origin: germline.

PreventionGenetics, part of Exact Sciences
Classification: Likely benign for LRP2-related condition. Last evaluated: 2020-01-06. Review status: no assertion criteria provided. Collection method: clinical testing. Allele origin: germline. Not counted in ClinVar's aggregate classification.
Comment: This variant is classified as likely benign based on ACMG/AMP sequence variant interpretation guidelines (Richards et al. 2015 PMID: 25741868, with internal and published modifications).